The following continues an entry in ClinVar:

NM_007294.4(BRCA1):c.5123C>T (p.Ala1708Val)

Gene: BRCA1. ClinVar aggregate classification (germline): Conflicting classifications of pathogenicity. Uncertain significance (15); Likely benign (1).

Submissions 6 to 14 of 25:

All of Us Research Program, National Institutes of Health
Classification: Uncertain significance for BRCA1-related cancer predisposition. Last evaluated: 2024-05-14. Review status: criteria provided, single submitter. Criteria: ACMG Guidelines, 2015. Collection method: clinical testing. Allele origin: germline. Inheritance: Autosomal dominant inheritance. Observed: 11 variant alleles, 11 heterozygotes.
Comment: This missense variant replaces alanine with valine at codon 1708 of the BRCA1 protein. Computational prediction suggests that this variant may have deleterious impact on protein structure and function (internally defined REVEL score threshold >= 0.7, PMID: 27666373). Functional studies have reported conflicting findings on the activity of the variant protein on various in vitro and ex vivo assays (PMID: 18036263, 20516115, 26689913, 30209399, 30458859). This variant has been reported in individuals with personal and/or family history of breast or ovarian cancer (PMID: 15744030, 16489001, 17403394, 22034289, 26287763, 27495310) including individuals who also had a BRCA2 pathogenic co-variant (PMID: 15744030, 17403394) and in healthy controls (PMID: 15744030, 24055113, 25637381). This variant has also been reported in an individual affected with kidney renal clear cell carcinoma (PMID: 26689913). A different variant affecting the same codon (p.Ala1708Glu) is considered to be disease-causing (ClinVar variation ID: 55407), suggesting that alanine or similar amino acid at this position is important for the protein function. This variant has been identified in 8/282694 chromosomes in the general population by the Genome Aggregation Database (gnomAD). The available evidence is insufficient to determine the role of this variant in disease conclusively. Therefore, this variant is classified as a Variant of Uncertain Significance.

This study involves interpretation of variants in research participants for the purpose of population health screening. Participant phenotype was not available at the time of variant classification. Additional details can be found in publication PMID: 35346344, PMCID: PMC8962531

Lupski Lab, Baylor-Hopkins CMG, Baylor College of Medicine
Classification: Likely benign for Breast-ovarian cancer, familial, susceptibility to, 1. Last evaluated: 2024-04-12. Review status: criteria provided, single submitter. Criteria: Dawood et al. (medRxiv. 2024). Collection method: curation. Allele origin: germline.
Comment: Each variant was annotated with functional scores from MAVE data which was translated into functional evidence codes. All other evidence codes and combining criteria were adhered to as closely as possible based on the ClinGen VCEP (Variant Curation Expert Panel) gene-specific recommendations. See Supplemental Figure 34 of final paper (Supp Fig. 28 in preprint: doi:10.1101/2024.04.11.24305690) for a table to see which lines of evidence we did not have data for. The ClinGen VCEPs are highly regarded as the gold-standard for gene-specific variant curation and are developed after extensive evaluation of the evidence by clinical and scientific experts for the particular gene to classify genomic variants on a spectrum from pathogenic to benign using the 2015 ACMG/AMP Variant Interpretation Guidelines as a backbone (PMID: 25741868). Reclassification of these VUS variants from gnomAD or All of Us focused only on variants originally prescribed as VUS in ClinVar. To ensure reproducibility, transparency, and increased throughput, all the procedures for annotating variants and assigning evidence codes were codified using Python. All code has been made freely available and is linked in the Code Availability section and all reclassified variants with evidence codes used can be found in Tables S18-19 (preprint: doi:10.1101/2024.04.11.24305690). For the MAVE data, the clinical curation and clinical strength assignment as per the ClinGen recommendations in Brnich et al. (2020) (PMID: 31892348) for or against pathogenicity or benignity of each of these MAVE datasets utilized in this study were previously published in Fayer et al. (2021) (PMID: 34793697).In brief, for BRCA1 variants, if a variant was categorized as FUNC (functional), it was assigned BS3 evidence and no PS3 evidence, whereas if it was categorized as LOF (loss of function), the variant was assigned PS3 evidence and no BS3 evidence. Variants categorized as INT (intermediate) were left unannotated. For the BRCA1 combining criteria, greater than or equal to 1 criteria of strong benign evidence was enough to reclassify the VUS as Likely Benign. This variant GRCh38:17:43063903:G>A was assigned evidence codes ['BS3', 'BS1_Supporting'] and an overall classification of Likely benign

Fulgent Genetics
Classification: Uncertain significance for Breast-ovarian cancer, familial, susceptibility to, 1; Pancreatic cancer, susceptibility to, 4; Fanconi anemia, complementation group S. Last evaluated: 2024-02-21. Review status: criteria provided, single submitter. Criteria: ACMG Guidelines, 2015. Collection method: clinical testing. Allele origin: germline.

Color Diagnostics, LLC DBA Color Health
Classification: Uncertain significance for Hereditary cancer-predisposing syndrome. Last evaluated: 2024-01-18. Review status: criteria provided, single submitter. Criteria: ACMG Guidelines, 2015. Collection method: clinical testing. Allele origin: germline.
Comment: This missense variant replaces alanine with valine at codon 1708 of the BRCA1 protein. Computational prediction suggests that this variant may have deleterious impact on protein structure and function. Functional studies have reported conflicting findings on the activity of the variant protein on various in vitro and ex vivo assays (PMID: 18036263, 20516115, 26689913, 30209399, 30458859). This variant has been reported in individuals with personal and/or family history of breast or ovarian cancer (PMID: 15744030, 16489001, 17403394, 22034289, 26287763, 27495310) including individuals who also had a BRCA2 pathogenic co-variant (PMID: 15744030, 17403394) and in healthy controls (PMID: 15744030, 24055113, 25637381). This variant has also been reported in an individual affected with kidney renal clear cell carcinoma (PMID: 26689913). A different variant affecting the same codon (p.Ala1708Glu) is considered to be disease-causing (ClinVar variation ID: 55407), suggesting that alanine or similar amino acid at this position is important for the protein function. This variant has been identified in 8/282694 chromosomes in the general population by the Genome Aggregation Database (gnomAD). The available evidence is insufficient to determine the role of this variant in disease conclusively. Therefore, this variant is classified as a Variant of Uncertain Significance.

Quest Diagnostics Nichols Institute San Juan Capistrano
Classification: Uncertain significance. Last evaluated: 2023-12-13. Review status: criteria provided, single submitter. Criteria: Quest Diagnostics criteria. Collection method: clinical testing. Allele origin: unknown.
Comment: The BRCA1 c.5123C>T (p.Ala1708Val) variant has been reported in the published literature in individuals affected with breast cancer (PMID: 17403394 (2007), 22034289 (2012), 26287763 (2015), 27495310 (2016), and kidney cancer (PMID: 26689913 (2015), 29625052 (2018)). Assessment of experimental analysis yielded conflicting results regarding the impact of this variant on protein function (PMID: 18036263 (2007), 20516115 (2010), 22889855 (2012), 26689913 (2015), 30209399 (2018), 30458859 (2018), 30257991 (2018)). The frequency of this variant in the general population, 0.00028 (7/24954 chromosomes in African/African American subpopulation (Genome Aggregation Database)), is higher than would generally be expected for pathogenic variants in this gene. Analysis of this variant using bioinformatics tools for the prediction of the effect of amino acid changes on protein structure and function yielded predictions that this variant is damaging. Based on the available information, we are unable to determine the clinical significance of this variant.

Baylor Genetics
Classification: Uncertain significance for Breast-ovarian cancer, familial, susceptibility to, 1. Last evaluated: 2023-10-24. Review status: criteria provided, single submitter. Criteria: ACMG Guidelines, 2015. Collection method: clinical testing. Allele origin: unknown.

Clinical Genetics Laboratory, Skane University Hospital Lund
Classification: Uncertain significance. Last evaluated: 2022-10-04. Review status: criteria provided, single submitter. Criteria: ACMG Guidelines, 2015. Collection method: clinical testing. Allele origin: germline. Affected: yes.

St. Jude Molecular Pathology, St. Jude Children's Research Hospital
Classification: Uncertain significance for Hereditary breast ovarian cancer syndrome. Last evaluated: 2021-08-04. Review status: criteria provided, single submitter. Criteria: St. Jude Assertion Criteria 2020. Collection method: clinical testing. Allele origin: germline.

Sema4
Classification: Uncertain significance for Hereditary cancer-predisposing syndrome. Last evaluated: 2021-06-15. Review status: criteria provided, single submitter. Criteria: Sema4 Curation Guidelines. Collection method: curation. Allele origin: germline.
Comment: The BRCA1 c.5123C>T (p.A1708V) variant has been reported in at least three individuals with breast cancer (PMID: 22034289, 26287763, 27495310), and was also identified in healthy individuals (PMID: 24055113, 25637381). It was observed in 7/24954 chromosomes of the African/African American subpopulation in the large and broad cohorts of the Genome Aggregation Database (PMID: 32461654). The variant has been reported in ClinVar (Variation ID 37640). In silico tools suggest the impact of the variant on protein function is deleterious. Some functional studies also suggest that this variant has a deleterious effect, however, other studies suggest that this variant is functional (PMID: 30765603, 30458859, 30209399, 28781887, 20516115, 18036263, 16489001). Another nucleotide change at the same genomic location, affecting the same amino acid (BRCA1 c.5123C>A, p.A1708E), has been classified as pathogenic by our laboratory and Clinvar expert panel. The evidence is insufficient to meet ACMG/AMP criteria for classifying the variant as benign or pathogenic. Thus, the clinical significance of this variant is currently uncertain.